The following is an entry in ClinVar:

ClinVar aggregate classification (germline): Uncertain significance (1 of 4 stars; one submission).

Submission:

CeGaT Center for Human Genetics Tuebingen
Classification: Uncertain significance. Last evaluated: 2023-04-01. Review status: criteria provided, single submitter. Criteria: CeGaT Center For Human Genetics Tuebingen Variant Classification Criteria Version 2. Collection method: clinical testing. Allele origin: germline. Affected: yes. Observed: 1 variant allele.
Comment: B4GAT1: PM2

NM_006876.3(B4GAT1):c.1110C>A (p.Phe370Leu)

Gene: B4GAT1 (beta-1,4-glucuronyltransferase 1; minus strand). Cytogenetic location: 11q13.2.
Variant type: single nucleotide variant.
Coding change: c.1110C>A on transcript NM_006876.3 (MANE Select); coding-DNA position 1110, C replaced by A.
Protein change: p.Phe370Leu; replaces phenylalanine 370 with leucine.
Molecular consequence: missense variant.
Genome position (GRCh38, 1-based): chr11:66,346,187, G>T on the plus strand (C>A on the coding strand, the complement: B4GAT1 is on the minus strand). VCF-style: chr11-66346187-G-T. GRCh37 (hg19) VCF-style: chr11-66113658-G-T.
Other names: short protein forms F370L.
Identifiers: ClinVar variation 2641988 (VCV002641988.24), dbSNP rs1360902956, ClinGen allele CA381416936.